The following is an entry in ClinVar:

NM_001127649.3(PEX26):c.208G>T (p.Val70Leu)

Gene: PEX26 (peroxisomal biogenesis factor 26; plus strand). Cytogenetic location: 22q11.21.
Variant type: single nucleotide variant.
Coding change: c.208G>T on transcript NM_001127649.3 (MANE Select); coding-DNA position 208, G replaced by T.
Protein change: p.Val70Leu; replaces valine 70 with leucine.
Molecular consequence: missense variant.
Genome position (GRCh38, 1-based): chr22:18,078,584, G>T. VCF-style: chr22-18078584-G-T. GRCh37 (hg19) VCF-style: chr22-18561350-G-T.
Other names: c.208G>T, p.Val70Leu (NM_001199319.2, NM_017929.6); short protein forms V70L.
Identifiers: ClinVar variation 340752 (VCV000340752.12), dbSNP rs766581207, ClinGen allele CA10093246.

ClinVar aggregate classification (germline): Uncertain significance. Review status: criteria provided, multiple submitters, no conflicts (2 of 4 stars). 3 submissions from 3 submitters: Uncertain significance (2). 1 of the submissions does not count toward it. Last evaluated 2024-09-06.

Conditions:
Peroxisome biogenesis disorder 7A (Zellweger). Also called: Peroxisome biogenesis disorder 7A. Identifiers: Orphanet 912, MedGen C3888385, MONDO:0013938, OMIM 614872.
Peroxisome biogenesis disorder 7B (PBD7B). Identifiers: Orphanet 44, MedGen C3553951, MONDO:0013939, OMIM 614873.
PEX26-related disorder. Also called: PEX26-related condition.

Allele frequency attached by ClinVar (database versions not stated): gnomAD exomes below 0.00001; gnomAD 0.00002 and 0.00003; TOPMed 0.00002; ExAC 0.00004.
gnomAD v4.1: 27 of 1,600,056 alleles (0.0017%); highest among the groups gnomAD compares: Non-Finnish European, 0.002%; no homozygotes.

Submissions (3):

Labcorp Genetics (formerly Invitae), Labcorp
Classification: Uncertain significance for Peroxisome biogenesis disorder 7A (Zellweger); Peroxisome biogenesis disorder 7B. Last evaluated: 2024-09-06. Review status: criteria provided, single submitter. Criteria: Invitae Variant Classification Sherloc (09022015). Collection method: clinical testing. Allele origin: germline.
Comment: This sequence change replaces valine, which is neutral and non-polar, with leucine, which is neutral and non-polar, at codon 70 of the PEX26 protein (p.Val70Leu). The frequency data for this variant in the population databases is considered unreliable, as metrics indicate poor data quality at this position in the gnomAD database. This variant has not been reported in the literature in individuals affected with PEX26-related conditions. ClinVar contains an entry for this variant (Variation ID: 340752). Invitae Evidence Modeling of protein sequence and biophysical properties (such as structural, functional, and spatial information, amino acid conservation, physicochemical variation, residue mobility, and thermodynamic stability) indicates that this missense variant is not expected to disrupt PEX26 protein function with a negative predictive value of 80%. In summary, the available evidence is currently insufficient to determine the role of this variant in disease. Therefore, it has been classified as a Variant of Uncertain Significance.

Illumina Laboratory Services, Illumina
Classification: Uncertain significance for Peroxisome biogenesis disorder 7A (Zellweger). Last evaluated: 2018-01-12. Review status: criteria provided, single submitter. Criteria: ICSL Variant Classification Criteria 13 December 2019. Collection method: clinical testing. Allele origin: germline.

PreventionGenetics, part of Exact Sciences
Classification: Uncertain significance for PEX26-related condition. Last evaluated: 2024-03-27. Review status: no assertion criteria provided. Collection method: clinical testing. Allele origin: germline. Not counted in ClinVar's aggregate classification.
Comment: The PEX26 c.208G>T variant is predicted to result in the amino acid substitution p.Val70Leu. To our knowledge, this variant has not been reported in the literature. This variant is reported in 0.0010% of alleles in individuals of European (Non-Finnish) descent in gnomAD. At this time, the clinical significance of this variant is uncertain due to the absence of conclusive functional and genetic evidence.